The following is an entry in ClinVar:

ClinVar aggregate classification (germline): Likely pathogenic (1 of 4 stars; one submission).

Conditions:
X-linked Alport syndrome (ATS1). Also called: COL4A5-Related Nephropathy; NEPHROPATHY AND DEAFNESS, X-LINKED. Identifiers: Orphanet 63, Orphanet 88917, MedGen C4746986, MONDO:0010520, OMIM 301050.

Submission:

Myriad Genetics, Inc.
Classification: Likely pathogenic for X-linked Alport syndrome. Last evaluated: 2022-03-30. Review status: criteria provided, single submitter. Criteria: Myriad Women's Health Autosomal Recessive and X-Linked Classification Criteria (2021). Collection method: clinical testing. Allele origin: unknown.
Comment: NM_000495.4(COL4A5):c.67_68delCC(P23Cfs*16) is expected to be pathogenic in the context of X-linked Alport syndrome. This variant is predicted to lead to an abnormal or absent protein product due to the creation of a premature termination codon in COL4A5, a gene where loss-of-function variants are known to be pathogenic. Please note: this variant was assessed in the context of healthy population screening.

NM_033380.3(COL4A5):c.67_68del (p.Pro23fs)

Gene: COL4A5 (collagen type IV alpha 5 chain; plus strand). Cytogenetic location: Xq22.3.
Variant type: Deletion.
Coding change: c.67_68del on transcript NM_033380.3 (MANE Select); coding-DNA positions 67 to 68, 2 bases deleted (CC; older notation c.67_68delCC).
Protein change: p.Pro23fs; shifts the reading frame from proline 23.
Molecular consequence: frameshift variant.
Genome position (GRCh38, 1-based): chrX:108,440,192-108,440,193, CC deleted. VCF-style (leftmost placement, unchanged base first): chrX-108440191-GCC-G. GRCh37 (hg19) VCF-style: chrX-107683421-GCC-G.
Other names: c.67_68del, p.Pro23fs (NM_000495.5); short protein forms P23fs.
Identifiers: ClinVar variation 1725657 (VCV001725657.2), dbSNP rs2523833392, ClinGen allele CA2580100150.
Genomic context (GRCh38, chrX:108,440,191, plus strand): 5'-ACTGCGTGGAGTCAGCCTGGCTGCCGGCTTGTTCTTACTGGCCCTGAGTCTTTGGGGGCA[GCC>G]TGCAGAGGCTGCGGTAAGTCCTTCCTCCCCTCCCCCGCGCCCATCACCGCTCTTTCACGC-3'